The following is an entry in ClinVar:

NM_006031.6(PCNT):c.5199G>A (p.Lys1733=)

Gene: PCNT (pericentrin; plus strand). Cytogenetic location: 21q22.3.
Variant type: single nucleotide variant.
Coding change: c.5199G>A on transcript NM_006031.6 (MANE Select); coding-DNA position 5199, G replaced by A.
Protein change: p.Lys1733=; no amino-acid change (lysine 1733 retained).
Molecular consequence: synonymous variant.
Genome position (GRCh38, 1-based): chr21:46,411,272, G>A. VCF-style: chr21-46411272-G-A. GRCh37 (hg19) VCF-style: chr21-47831186-G-A.
Other names: c.4845G>A, p.Lys1615= (NM_001315529.2).
Identifiers: ClinVar variation 159617 (VCV000159617.46), dbSNP rs61735808, ClinGen allele CA251078.

ClinVar aggregate classification (germline): Conflicting classifications of pathogenicity. Review status: criteria provided, conflicting classifications (1 of 4 stars). 7 submissions from 7 submitters: Uncertain significance (1); Benign (2); Likely benign (3). 1 of the submissions does not count toward it. Last evaluated 2026-01-25.

Conditions:
PCNT-related disorder. Also called: PCNT-related condition.
Microcephalic osteodysplastic primordial dwarfism type II (MOPD2). Also called: MOPD II; OSTEODYSPLASTIC PRIMORDIAL DWARFISM, TYPE II; Microcephalic osteodysplastic primordial dwarfism with tooth abnormalities. Identifiers: Orphanet 2637, MedGen C0432246, MONDO:0008872, OMIM 210720.

Allele frequency attached by ClinVar (database versions not stated): 1000 Genomes Project 30x 0.00016; 1000 Genomes Project 0.00020; TOPMed 0.00137; ExAC 0.00144; gnomAD exomes 0.00201 and 0.00098; ESP Exome Variant Server 0.00108; gnomAD 0.00126 and 0.00127.
gnomAD v4.1: 1,740 of 1,614,208 alleles (0.11%); highest among the groups gnomAD compares: Middle Eastern, 0.26%; 20 homozygotes.

Submissions (7):

Labcorp Genetics (formerly Invitae), Labcorp
Classification: Benign. Last evaluated: 2026-01-25. Review status: criteria provided, single submitter. Criteria: Invitae Variant Classification Sherloc (09022015). Collection method: clinical testing. Allele origin: germline.

CeGaT Center for Human Genetics Tuebingen
Classification: Likely benign. Last evaluated: 2025-08-01. Review status: criteria provided, single submitter. Criteria: CeGaT Center For Human Genetics Tuebingen Variant Classification Criteria Version 2. Collection method: clinical testing. Allele origin: germline. Affected: yes. Observed: 3 variant alleles.
Comment: PCNT: BP4, BP7

GeneDx
Classification: Benign. Last evaluated: 2018-11-29. Review status: criteria provided, single submitter. Criteria: GeneDx Variant Classification Process June 2021. Collection method: clinical testing. Allele origin: germline. Affected: yes.

Illumina Laboratory Services, Illumina
Classification: Uncertain significance for Microcephalic osteodysplastic primordial dwarfism type II. Last evaluated: 2018-01-12. Review status: criteria provided, single submitter. Criteria: ICSL Variant Classification Criteria 13 December 2019. Collection method: clinical testing. Allele origin: germline.

Eurofins Ntd Llc (ga)
Classification: Likely benign. Last evaluated: 2016-03-31. Review status: criteria provided, single submitter. Criteria: EGL Classification Definitions 2015. Collection method: clinical testing. Allele origin: germline. Observed: 1 variant allele, 1 heterozygote.

Genetic Services Laboratory, University of Chicago
Classification: Likely benign. Last evaluated: 2015-11-19. Review status: criteria provided, single submitter. Criteria: ACMG Guidelines, 2015. Collection method: clinical testing. Allele origin: germline. Affected: no.

PreventionGenetics, part of Exact Sciences
Classification: Benign for PCNT-related condition. Last evaluated: 2021-06-16. Review status: no assertion criteria provided. Collection method: clinical testing. Allele origin: germline. Not counted in ClinVar's aggregate classification.
Comment: This variant is classified as benign based on ACMG/AMP sequence variant interpretation guidelines (Richards et al. 2015 PMID: 25741868, with internal and published modifications).